The following is an entry in ClinVar:

ClinVar aggregate classification (germline): Uncertain significance. Review status: criteria provided, multiple submitters, no conflicts (2 of 4 stars). 3 submissions from 3 submitters: Uncertain significance (3). Last evaluated 2025-04-23.

Conditions:
Inborn genetic diseases. Identifiers: MedGen C0950123, MeSH D030342.
Monocytopenia with susceptibility to infections. Also called: MONOCYTOPENIA AND MYCOBACTERIAL INFECTION SYNDROME; MONOCYTOPENIA WITH SUSCEPTIBILITY TO MYCOBACTERIAL, FUNGAL, AND PAPILLOMAVIRUS INFECTIONS AND MYELODYSPLASIA; COMBINED IMMUNODEFICIENCY WITH SUSCEPTIBILITY TO MYCOBACTERIAL, VIRAL, AND FUNGAL INFECTIONS; Dendritic cell, monocyte, B lymphocyte, and natural killer lymphocyte deficiency; GATA2 DEFICIENCY; IMMUNODEFICIENCY 21. Identifiers: Orphanet 228423, MedGen C3280030, MONDO:0013607, OMIM 614172.
Deafness-lymphedema-leukemia syndrome. Also called: Lymphedema, primary, with myelodysplasia; Emberger syndrome. Identifiers: Orphanet 3226, MedGen C3279664, MONDO:0013540, OMIM 614038.

gnomAD v4.1: 4 of 1,612,376 alleles (0.00025%); highest among the groups gnomAD compares: South Asian, 0.0011%; no homozygotes.

Submissions (3):

Labcorp Genetics (formerly Invitae), Labcorp
Classification: Uncertain significance for Monocytopenia with susceptibility to infections; Deafness-lymphedema-leukemia syndrome. Last evaluated: 2025-04-23. Review status: criteria provided, single submitter. Criteria: Invitae Variant Classification Sherloc (09022015). Collection method: clinical testing. Allele origin: germline.
Comment: This sequence change replaces threonine, which is neutral and polar, with alanine, which is neutral and non-polar, at codon 162 of the GATA2 protein (p.Thr162Ala). This variant is not present in population databases (gnomAD no frequency). This variant has not been reported in the literature in individuals affected with GATA2-related conditions. ClinVar contains an entry for this variant (Variation ID: 1437532). Invitae Evidence Modeling of protein sequence and biophysical properties (such as structural, functional, and spatial information, amino acid conservation, physicochemical variation, residue mobility, and thermodynamic stability) indicates that this missense variant is not expected to disrupt GATA2 protein function with a negative predictive value of 95%. In summary, the available evidence is currently insufficient to determine the role of this variant in disease. Therefore, it has been classified as a Variant of Uncertain Significance.

Ambry Genetics
Classification: Uncertain significance for Inborn genetic diseases. Last evaluated: 2025-01-30. Review status: criteria provided, single submitter. Criteria: Ambry Variant Classification Scheme 2023. Collection method: clinical testing. Allele origin: germline.
Comment: The p.T162A variant (also known as c.484A>G), located in coding exon 2 of the GATA2 gene, results from an A to G substitution at nucleotide position 484. The threonine at codon 162 is replaced by alanine, an amino acid with similar properties. This amino acid position is not well conserved in available vertebrate species, and alanine is the reference amino acid in other vertebrate species. In addition, this alteration is predicted to be tolerated by in silico analysis. Based on the available evidence, the clinical significance of this variant remains unclear.

GeneDx
Classification: Uncertain significance. Last evaluated: 2022-06-30. Review status: criteria provided, single submitter. Criteria: GeneDx Variant Classification Process June 2021. Collection method: clinical testing. Allele origin: germline. Affected: yes.
Comment: Not observed at significant frequency in large population cohorts (gnomAD); In silico analysis supports that this missense variant does not alter protein structure/function; Has not been previously published as pathogenic or benign to our knowledge

NM_032638.5(GATA2):c.484A>G (p.Thr162Ala)

Gene: GATA2 (GATA binding protein 2; minus strand). Cytogenetic location: 3q21.3.
Variant type: single nucleotide variant.
Coding change: c.484A>G on transcript NM_032638.5 (MANE Select); coding-DNA position 484, A replaced by G.
Protein change: p.Thr162Ala; replaces threonine 162 with alanine.
Molecular consequence: missense variant.
Genome position (GRCh38, 1-based): chr3:128,486,114, T>C on the plus strand (A>G on the coding strand, the complement: GATA2 is on the minus strand). VCF-style: chr3-128486114-T-C. GRCh37 (hg19) VCF-style: chr3-128204957-T-C.
Other names: c.484A>G, p.Thr162Ala (NM_001145661.2, NM_001145662.1); short protein forms T162A.
Identifiers: ClinVar variation 1437532 (VCV001437532.10), dbSNP rs770215567, ClinGen allele CA354406665.